The following is an entry in ClinVar:

ClinVar aggregate classification (germline): Uncertain significance. Review status: criteria provided, multiple submitters, no conflicts (2 of 4 stars). 4 submissions from 4 submitters: Uncertain significance (4). Last evaluated 2025-11-04.

Conditions:
Retinal dystrophy. Also called: Inherited retinal dystrophy. Identifiers: Orphanet 71862, MedGen C0854723, MeSH D058499, MONDO:0019118, HP:0000556.
RLBP1-related disorder. Also called: RLBP1-related disorders; RLBP1-related condition. Identifiers: MedGen CN239413.

Allele frequency attached by ClinVar (database versions not stated): ExAC 0.00003; TOPMed 0.00014.
gnomAD v4.1: 31 of 1,612,296 alleles (0.0019%); highest among the groups gnomAD compares: African/African-American, 0.029%; no homozygotes.

Submissions (4):

PreventionGenetics, part of Exact Sciences
Classification: Uncertain significance for RLBP1-related condition. Last evaluated: 2025-11-04. Review status: criteria provided, single submitter. Criteria: ACMG Guidelines, 2015. Collection method: clinical testing. Allele origin: germline.
Comment: The RLBP1 c.229G>C variant is predicted to result in the amino acid substitution p.Gly77Arg. To our knowledge, this variant has not been reported in the literature. This variant is present in 0.036% of alleles in individuals of African descent in gnomAD. At this time, the clinical significance of this variant is uncertain due to the absence of conclusive functional and genetic evidence.

Blueprint Genetics
Classification: Uncertain significance. Last evaluated: 2024-11-11. Review status: criteria provided, single submitter. Criteria: ACMG Guidelines, 2015. Collection method: clinical testing. Allele origin: germline.

Labcorp Genetics (formerly Invitae), Labcorp
Classification: Uncertain significance. Last evaluated: 2024-11-05. Review status: criteria provided, single submitter. Criteria: Invitae Variant Classification Sherloc (09022015). Collection method: clinical testing. Allele origin: germline.
Comment: This sequence change replaces glycine, which is neutral and non-polar, with arginine, which is basic and polar, at codon 77 of the RLBP1 protein (p.Gly77Arg). This variant is present in population databases (rs755885208, gnomAD 0.03%). This variant has not been reported in the literature in individuals affected with RLBP1-related conditions. ClinVar contains an entry for this variant (Variation ID: 1014763). Invitae Evidence Modeling of protein sequence and biophysical properties (such as structural, functional, and spatial information, amino acid conservation, physicochemical variation, residue mobility, and thermodynamic stability) has been performed for this missense variant. However, the output from this modeling did not meet the statistical confidence thresholds required to predict the impact of this variant on RLBP1 protein function. In summary, the available evidence is currently insufficient to determine the role of this variant in disease. Therefore, it has been classified as a Variant of Uncertain Significance.

Dept Of Ophthalmology, Nagoya University
Classification: Uncertain significance for Retinal dystrophy. Last evaluated: 2023-10-01. Review status: criteria provided, single submitter. Criteria: Submitter's publication. Collection method: research. Allele origin: germline. Affected: yes.

NM_000326.5(RLBP1):c.229G>C (p.Gly77Arg)

Gene: RLBP1 (retinaldehyde binding protein 1; minus strand). Cytogenetic location: 15q26.1.
Variant type: single nucleotide variant.
Coding change: c.229G>C on transcript NM_000326.5 (MANE Select); coding-DNA position 229, G replaced by C.
Protein change: p.Gly77Arg; replaces glycine 77 with arginine.
Molecular consequence: missense variant.
Genome position (GRCh38, 1-based): chr15:89,217,237, C>G on the plus strand (G>C on the coding strand, the complement: RLBP1 is on the minus strand). VCF-style: chr15-89217237-C-G. GRCh37 (hg19) VCF-style: chr15-89760468-C-G.
Other names: c.229G>C (NM_000326.4); short protein forms G77R.
Identifiers: ClinVar variation 1014763 (VCV001014763.9), dbSNP rs755885208, ClinGen allele CA7722350.